The following is an entry in ClinVar:

NC_000010.10:g.(?_14974833)_(14981888_?)del

Gene: DCLRE1C (DNA cross-link repair 1C; minus strand). Cytogenetic location: 10p13.
Variant type: Deletion.
Identifiers: ClinVar variation 3244873 (VCV003244873.1).

ClinVar aggregate classification (germline): Pathogenic (1 of 4 stars; one submission).

Conditions:
Severe combined immunodeficiency due to DCLRE1C deficiency (RS-SCID). Also called: SCID, AUTOSOMAL RECESSIVE, T CELL-NEGATIVE, B CELL-NEGATIVE, NK CELL-POSITIVE, WITH SENSITIVITY TO IONIZING RADIATION. Identifiers: Orphanet 275, MedGen C1865371, MONDO:0011225, OMIM 602450.

Submission:

Labcorp Genetics (formerly Invitae), Labcorp
Classification: Pathogenic for Athabaskan severe combined immunodeficiency. Last evaluated: 2023-11-10. Review status: criteria provided, single submitter. Criteria: Invitae Variant Classification Sherloc (09022015). Collection method: clinical testing. Allele origin: unknown.
Comment: This variant is a gross deletion of the genomic region encompassing exon(s) 4-9 of the DCLRE1C gene. This variant would be expected to be in-frame, preserving the integrity of the reading frame. This variant has not been reported in the literature in individuals affected with DCLRE1C-related conditions. This variant disrupts a region of the DCLRE1C protein in which other variant(s) (p.Thr167_Phe168delinsMetLeu) have been determined to be pathogenic (Invitae). This suggests that this is a clinically significant region of the protein, and that variants that disrupt it are likely to be disease-causing. For these reasons, this variant has been classified as Pathogenic.